The following is an entry in ClinVar:

ClinVar aggregate classification (germline): Uncertain significance (1 of 4 stars; one submission).

Submission:

Labcorp Genetics (formerly Invitae), Labcorp
Classification: Uncertain significance. Last evaluated: 2024-10-11. Review status: criteria provided, single submitter. Criteria: Invitae Variant Classification Sherloc (09022015). Collection method: clinical testing. Allele origin: germline.
Comment: This sequence change replaces arginine, which is basic and polar, with leucine, which is neutral and non-polar, at codon 39 of the PSENEN protein (p.Arg39Leu). This variant is not present in population databases (gnomAD no frequency). This variant has not been reported in the literature in individuals affected with PSENEN-related conditions. An algorithm developed to predict the effect of missense changes on protein structure and function (PolyPhen-2) suggests that this variant is likely to be disruptive. Algorithms developed to predict the effect of sequence changes on RNA splicing suggest that this variant may disrupt the consensus splice site. In summary, the available evidence is currently insufficient to determine the role of this variant in disease. Therefore, it has been classified as a Variant of Uncertain Significance.

NM_172341.4(PSENEN):c.116G>T (p.Arg39Leu)

Gene: PSENEN (presenilin enhancer, gamma-secretase subunit; plus strand). Cytogenetic location: 19q13.12.
Variant type: single nucleotide variant.
Coding change: c.116G>T on transcript NM_172341.4 (MANE Select); coding-DNA position 116, G replaced by T.
Protein change: p.Arg39Leu; replaces arginine 39 with leucine.
Molecular consequence: missense variant.
Genome position (GRCh38, 1-based): chr19:35,746,473, G>T. VCF-style: chr19-35746473-G-T. GRCh37 (hg19) VCF-style: chr19-36237374-G-T.
Other names: c.116G>T, p.Arg39Leu (NM_001281532.3); short protein forms R39L.
Identifiers: ClinVar variation 3698268 (VCV003698268.2).
Genomic context (GRCh38, chr19:35,746,473, plus strand): 5'-CCCTAGGGGGGTTTGCTTTCCTGCCTTTTCTCTGGTTGGTCAACATCTTCTGGTTCTTCC[G>T]AGAGGCCTTCCTTGTCCCAGCCTACACAGAACAGAGCCAAATCAAAGGCTGTGAGTCTAG-3'
Protein context (NP_758844.1, residues 29-49): LWLVNIFWFF[Arg39Leu]EAFLVPAYTE